The following is an entry in ClinVar:

NM_000292.3(PHKA2):c.1482G>C (p.Leu494Phe)

Gene: PHKA2 (phosphorylase kinase regulatory subunit alpha 2; minus strand). Cytogenetic location: Xp22.13.
Variant type: single nucleotide variant.
Coding change: c.1482G>C on transcript NM_000292.3 (MANE Select); coding-DNA position 1482, G replaced by C.
Protein change: p.Leu494Phe; replaces leucine 494 with phenylalanine.
Molecular consequence: missense variant.
Genome position (GRCh38, 1-based): chrX:18,925,755, C>G on the plus strand (G>C on the coding strand, the complement: PHKA2 is on the minus strand). VCF-style: chrX-18925755-C-G. GRCh37 (hg19) VCF-style: chrX-18943873-C-G.
Other names: short protein forms L494F.
Identifiers: ClinVar variation 450633 (VCV000450633.2), dbSNP rs1556002943, ClinGen allele CA412392141.

ClinVar aggregate classification (germline): Uncertain significance (1 of 4 stars; one submission).

Submission:

GeneDx
Classification: Uncertain significance. Last evaluated: 2017-07-25. Review status: criteria provided, single submitter. Criteria: GeneDx Variant Classification (06012015). Collection method: clinical testing. Allele origin: germline. Affected: yes.
Comment: The L494F variant in the PHKA2 gene has not been reported previously as a pathogenic variant, nor as a benign variant, to our knowledge. The L494F variant is not observed in large population cohorts (Lek et al., 2016). The L494F variant is a conservative amino acid substitution, which is not likely to impact secondary protein structure as these residues share similar properties. This substitution occurs at a position that is conserved across species. In silico analysis predicts this variant is probably damaging to the protein structure/function. We interpret L494F as a variant of uncertain significance.